The following is an entry in ClinVar:

NM_001376.5(DYNC1H1):c.11838_11842dup (p.Ile3948delinsThrTer)

Gene: DYNC1H1 (dynein cytoplasmic 1 heavy chain 1; plus strand). Cytogenetic location: 14q32.31.
Variant type: Duplication.
Coding change: c.11838_11842dup on transcript NM_001376.5 (MANE Select); coding-DNA positions 11838 to 11842, 5 bases duplicated (CTTGA; older notation c.11838_11842dupCTTGA).
Protein change: p.Ile3948delinsThrTer.
Molecular consequence: nonsense. On other transcripts: frameshift variant (1).
Genome position (GRCh38, 1-based): chr14:102,040,383-102,040,387, CTTGA duplicated; duplicating any 5 consecutive bases within chr14:102,040,381-102,040,387 gives the same sequence; the c. name uses the placement nearest the transcript's 3' end. VCF-style (leftmost placement, unchanged base first): chr14-102040380-G-GGACTT. GRCh37 (hg19) VCF-style: chr14-102506717-G-GGACTT.
Other names: c.11838_11842dup5 (NM_001376.4).
Identifiers: ClinVar variation 5001751 (VCV005001751.1).

ClinVar aggregate classification (germline): Likely pathogenic (1 of 4 stars; one submission).

Conditions:
DYNC1H1-related disorder. Also called: DYNC1H1-related condition; DYNC1H1-related disorders. Identifiers: MedGen CN381529.

Submission:

PreventionGenetics, part of Exact Sciences
Classification: Likely pathogenic for DYNC1H1-related condition. Last evaluated: 2025-01-28. Review status: criteria provided, single submitter. Criteria: ACMG Guidelines, 2015. Collection method: clinical testing. Allele origin: germline.
Comment: The DYNC1H1 c.11838_11842dup5 variant is predicted to result in a frameshift and premature protein termination (p.Ile3948Thrfs*2). To our knowledge, this variant has not been reported in the literature or in a large population database (gnomAD), indicating this variant is rare. Frameshift variants in DYNC1H1 are expected to be pathogenic. This variant is interpreted as likely pathogenic.